The following is an entry in ClinVar:

ClinVar aggregate classification (germline): Uncertain significance (1 of 4 stars; one submission).

Conditions:
Macular degeneration, early-onset (EOMD). Identifiers: MedGen C4015286, MONDO:0014501, OMIM 616118.

Submission:

Baylor Genetics
Classification: Uncertain significance for Macular degeneration, early-onset. Last evaluated: 2019-12-03. Review status: criteria provided, single submitter. Criteria: ACMG Guidelines, 2015. Collection method: clinical testing. Allele origin: unknown. Affected: yes.
Comment: This variant was determined to be of uncertain significance according to ACMG Guidelines, 2015 [PMID:25741868].

NM_001999.4(FBN2):c.4250A>G (p.His1417Arg)

Gene: FBN2 (fibrillin 2; minus strand). Cytogenetic location: 5q23.3.
Variant type: single nucleotide variant.
Coding change: c.4250A>G on transcript NM_001999.4 (MANE Select); coding-DNA position 4250, A replaced by G.
Protein change: p.His1417Arg; replaces histidine 1417 with arginine.
Molecular consequence: missense variant.
Genome position (GRCh38, 1-based): chr5:128,330,668, T>C on the plus strand (A>G on the coding strand, the complement: FBN2 is on the minus strand). VCF-style: chr5-128330668-T-C. GRCh37 (hg19) VCF-style: chr5-127666360-T-C.
Other names: short protein forms H1417R.
Identifiers: ClinVar variation 1030506 (VCV001030506.1), dbSNP rs1750669577, ClinGen allele CA360754161.